The following is an entry in ClinVar:

ClinVar aggregate classification (germline): Likely pathogenic (1 of 4 stars; one submission).

Conditions:
Long chain 3-hydroxyacyl-CoA dehydrogenase deficiency. Also called: Deficiency of long-chain 3-hydroxyacyl-coenzyme A dehydrogenase; LCHAD Deficiency. Identifiers: Orphanet 5, MedGen C3711645, MONDO:0012173, OMIM 609016.

Submission:

Women's Health and Genetics/Laboratory Corporation of America, LabCorp
Classification: Likely pathogenic for Long chain 3-hydroxyacyl-CoA dehydrogenase deficiency. Last evaluated: 2022-06-08. Review status: criteria provided, single submitter. Criteria: LabCorp Variant Classification Summary - May 2015. Collection method: clinical testing. Allele origin: germline.
Comment: Variant summary: HADHA c.1844delA (p.Asn615ThrfsX5) results in a premature termination codon, predicted to cause a truncation of the encoded protein or absence of the protein due to nonsense mediated decay, which are commonly known mechanisms for disease. Truncations downstream of this position have been classified as pathogenic by our laboratory. The variant was absent in 251414 control chromosomes (gnomAD). To our knowledge, no occurrence of c.1844delA in individuals affected with Long Chain 3-Hydroxyacyl-CoA Dehydrogenase Deficiency and no experimental evidence demonstrating its impact on protein function have been reported. No clinical diagnostic laboratories have submitted clinical-significance assessments for this variant to ClinVar after 2014. Based on the evidence outlined above, the variant was classified as likely pathogenic.

NM_000182.5(HADHA):c.1844del (p.Asn615fs)

Genes: GAREM2 (GRB2 associated regulator of MAPK1 subtype 2; plus strand), HADHA (hydroxyacyl-CoA dehydrogenase trifunctional multienzyme complex subunit alpha; minus strand). Cytogenetic location: 2p23.3.
Variant type: Deletion.
Coding change: c.1844del on transcript NM_000182.5 (MANE Select); coding-DNA position 1844, one base deleted (A; older notation c.1844delA).
Protein change: p.Asn615fs; shifts the reading frame from asparagine 615.
Molecular consequence: frameshift variant.
Genome position (GRCh38, 1-based): chr2:26,193,618, T deleted on the plus strand (A on the coding strand, the reverse complement: HADHA is on the minus strand); the first of 3 consecutive T bases (chr2:26,193,618-26,193,620); deleting any one gives the same sequence. VCF-style (leftmost placement, unchanged base first): chr2-26193617-GT-G. GRCh37 (hg19) VCF-style: chr2-26416486-GT-G.
Other names: short protein forms N615fs.
Identifiers: ClinVar variation 1698513 (VCV001698513.1), dbSNP rs1669575714, ClinGen allele CA2580066169.